The following is an entry in ClinVar:

ClinVar aggregate classification (germline): Likely benign (0 of 4 stars; one submission).

Conditions:
AQP5-related disorder. Also called: AQP5-related condition.

Allele frequency attached by ClinVar (database versions not stated): gnomAD exomes 0.00012; ExAC 0.00028; TOPMed 0.00063; gnomAD 0.00064; ESP Exome Variant Server 0.00069; 1000 Genomes Project 30x 0.00078; 1000 Genomes Project 0.00080.

Submission:

PreventionGenetics, part of Exact Sciences
Classification: Likely benign for AQP5-related condition. Last evaluated: 2019-06-05. Review status: no assertion criteria provided. Collection method: clinical testing. Allele origin: germline.
Comment: This variant is classified as likely benign based on ACMG/AMP sequence variant interpretation guidelines (Richards et al. 2015 PMID: 25741868, with internal and published modifications).

NM_001651.4(AQP5):c.460C>T (p.Arg154Cys)

Gene: AQP5 (aquaporin 5; plus strand). Cytogenetic location: 12q13.12.
Variant type: single nucleotide variant.
Coding change: c.460C>T on transcript NM_001651.4 (MANE Select); coding-DNA position 460, C replaced by T.
Protein change: p.Arg154Cys; replaces arginine 154 with cysteine.
Molecular consequence: missense variant.
Genome position (GRCh38, 1-based): chr12:49,963,588, C>T. VCF-style: chr12-49963588-C-T. GRCh37 (hg19) VCF-style: chr12-50357371-C-T.
Other names: short protein forms R154C.
Identifiers: ClinVar variation 3044636 (VCV003044636.2), dbSNP rs139276257, ClinGen allele CA6559533.